The following is an entry in ClinVar:

NM_002435.3(MPI):c.748G>A (p.Gly250Ser)

Gene: MPI (mannose phosphate isomerase; plus strand). Cytogenetic location: 15q24.1.
Variant type: single nucleotide variant.
Coding change: c.748G>A on transcript NM_002435.3 (MANE Select); coding-DNA position 748, G replaced by A.
Protein change: p.Gly250Ser; replaces glycine 250 with serine.
Molecular consequence: missense variant.
Genome position (GRCh38, 1-based): chr15:74,896,229, G>A. VCF-style: chr15-74896229-G-A. GRCh37 (hg19) VCF-style: chr15-75188570-G-A.
Other names: c.748G>A (NM_002435.2); c.748G>A, p.Gly250Ser (NM_001289155.2); c.598G>A, p.Gly200Ser (NM_001289156.2); c.565G>A, p.Gly189Ser (NM_001289157.2); c.688G>A, p.Gly230Ser (NM_001330372.2); short protein forms G250S, G189S, G200S, G230S.
Identifiers: ClinVar variation 500792 (VCV000500792.9), dbSNP rs748090636, ClinGen allele CA7662536.
Genomic context (GRCh38, chr15:74,896,229, plus strand): 5'-ATGGAGGACATCTTTGGGGAGCTTTTGCTACAGCTGCACCAGCAGTACCCAGGTGATATC[G>A]GCTGCTTTGCCATCTACTTCCTGAACCTGCTTACCCTGAAGCCTGGGGAGGCCATGTTTC-3'
Protein context (NP_002426.1, residues 240-260): QLHQQYPGDI[Gly250Ser]CFAIYFLNLL

ClinVar aggregate classification (germline): Conflicting classifications of pathogenicity. Review status: criteria provided, conflicting classifications (1 of 4 stars). 5 submissions from 5 submitters: Likely pathogenic (1); Uncertain significance (3). 1 of the submissions does not count toward it. Last evaluated 2024-02-29.

Conditions:
MPI-congenital disorder of glycosylation. Also called: MPI-CDG; MPI DEFICIENCY; CONGENITAL DISORDER OF GLYCOSYLATION, TYPE Ib; MANNOSEPHOSPHATE ISOMERASE DEFICIENCY; PROTEIN-LOSING ENTEROPATHY-HEPATIC FIBROSIS SYNDROME; CDG Ib. Identifiers: Orphanet 79319, MedGen C1865145, MONDO:0011257, OMIM 602579.

Allele frequency attached by ClinVar (database versions not stated): ExAC 0.00002; gnomAD exomes 0.00002; TOPMed 0.00008; gnomAD 0.00010.
gnomAD v4.1: 20 of 1,614,038 alleles (0.0012%); highest among the groups gnomAD compares: African/African-American, 0.02%; no homozygotes.

Submissions (5):

Fulgent Genetics
Classification: Likely pathogenic for MPI-congenital disorder of glycosylation. Last evaluated: 2024-02-29. Review status: criteria provided, single submitter. Criteria: ACMG Guidelines, 2015. Collection method: clinical testing. Allele origin: germline.

Women's Health and Genetics/Laboratory Corporation of America, LabCorp
Classification: Uncertain significance. Last evaluated: 2023-08-09. Review status: criteria provided, single submitter. Criteria: LabCorp Variant Classification Summary - May 2015. Collection method: clinical testing. Allele origin: germline.
Comment: Variant summary: MPI c.748G>A (p.Gly250Ser) results in a non-conservative amino acid change in the encoded protein sequence. Five of five in-silico tools predict a damaging effect of the variant on protein function. The variant allele was found at a frequency of 1.6e-05 in 251482 control chromosomes (gnomAD). The available data on variant occurrences in the general population are insufficient to allow any conclusion about variant significance. c.748G>A has been reported in the literature in individuals affected with Congenital Disorder Of Glycosylation (e.g. Schollen_2000, Lipinski_2021, Bogdanska_2021). These data do not allow any conclusion about variant significance. To our knowledge, no experimental evidence demonstrating an impact on protein function has been reported. The following publications have been ascertained in the context of this evaluation (PMID: 33407696, 33643843, 10980531). Three ClinVar submitters have assessed the variant since 2014, and all submitters classified the variant as uncertain significance. Based on the evidence outlined above, the variant was classified as uncertain significance.

3billion
Classification: Uncertain significance for MPI-congenital disorder of glycosylation. Last evaluated: 2022-09-01. Review status: criteria provided, single submitter. Criteria: ACMG Guidelines, 2015. Collection method: clinical testing. Allele origin: germline. Affected: yes. Observed: 1 homozygote.
Comment: The variant is observed at an extremely low frequency in the gnomAD v2.1.1 dataset (total allele frequency: 0.002%). While this variant results in missense change, protein truncation variants are a common disease-causing mechanism. In silico tool predictions suggest damaging effect of the variant on gene or gene product (REVEL: 0.97; 3Cnet: 0.94). Same nucleotide change resulting in same amino acid change has been previously reported to be associated with MPI-related disorder (PMID: 10980531). However, the evidence of pathogenicity is insufficient at this time. Therefore, this variant is classified as uncertain significance according to the recommendation of ACMG/AMP guideline.

Eurofins Ntd Llc (ga)
Classification: Uncertain significance. Last evaluated: 2017-03-10. Review status: criteria provided, single submitter. Criteria: EGL Classification Definitions 2015. Collection method: clinical testing. Allele origin: germline. Observed: 1 variant allele, 1 heterozygote.

Counsyl
Classification: Uncertain significance for MPI-congenital disorder of glycosylation. Last evaluated: 2018-01-05. Review status: no assertion criteria provided. Collection method: clinical testing. Allele origin: unknown. Not counted in ClinVar's aggregate classification.

Literature cited by the submitters: PubMed 33643843 (cited by Women's Health and Genetics/Laboratory Corporation of America, LabCorp); PubMed 10980531 (cited by 3 submitters); PubMed 33407696 (cited by Women's Health and Genetics/Laboratory Corporation of America, LabCorp).